The following is an entry in ClinVar:

ClinVar aggregate classification (germline): Likely benign (1 of 4 stars; one submission).

gnomAD v4.1: 1 of 1,610,448 alleles (0.000062%); highest among the groups gnomAD compares: Non-Finnish European, 0.000085%; no homozygotes.

Submission:

CeGaT Center for Human Genetics Tuebingen
Classification: Likely benign. Last evaluated: 2025-06-01. Review status: criteria provided, single submitter. Criteria: CeGaT Center For Human Genetics Tuebingen Variant Classification Criteria Version 2. Collection method: clinical testing. Allele origin: germline. Affected: yes. Observed: 1 variant allele.
Comment: GAD1: BP4, BP7

NM_000817.3(GAD1):c.633C>A (p.Thr211=)

Gene: GAD1 (glutamate decarboxylase 1; plus strand). Cytogenetic location: 2q31.1.
Variant type: single nucleotide variant.
Coding change: c.633C>A on transcript NM_000817.3 (MANE Select); coding-DNA position 633, C replaced by A.
Protein change: p.Thr211=; no amino-acid change (threonine 211 retained).
Molecular consequence: synonymous variant.
Genome position (GRCh38, 1-based): chr2:170,836,878, C>A. VCF-style: chr2-170836878-C-A. GRCh37 (hg19) VCF-style: chr2-171693388-C-A.
Other names: c.633C>A, p.Thr211= (NM_013445.4).
Identifiers: ClinVar variation 3906036 (VCV003906036.10).
Genomic context (GRCh38, chr2:170,836,878, plus strand): 5'-CTCCACTGGATTGGATATTATTGGCCTAGCTGGAGAATGGCTGACATCAACGGCCAATAC[C>A]AACATGTAAGTCTCATATGTTTTCATATAAGCAACCCTGATGTATGACTATGGCTTGTTG-3'
Protein context (NP_000808.2, residues 201-221): AGEWLTSTAN[Thr211=]NMFTYEIAPV